The following is an entry in ClinVar:

ClinVar aggregate classification (germline): Uncertain significance. Review status: criteria provided, multiple submitters, no conflicts (2 of 4 stars). 7 submissions from 7 submitters: Uncertain significance (7). Last evaluated 2025-12-24.

Conditions:
Endometrial carcinoma. Also called: Endometrial carcinoma, somatic. Identifiers: MedGen C0476089, MONDO:0002447, OMIM 608089, HP:0012114.
Hereditary nonpolyposis colorectal neoplasms. Identifiers: MedGen C0009405, MeSH D003123.
Hereditary cancer-predisposing syndrome. Also called: Hereditary Cancer Syndrome; Neoplastic Syndromes, Hereditary; Tumor predisposition; Hereditary neoplastic syndrome. Identifiers: Orphanet 140162, MedGen C0027672, MeSH D009386, MONDO:0015356.

Submissions (7):

Labcorp Genetics (formerly Invitae), Labcorp
Classification: Uncertain significance for Hereditary nonpolyposis colorectal neoplasms. Last evaluated: 2025-12-24. Review status: criteria provided, single submitter. Criteria: Invitae Variant Classification Sherloc (09022015). Collection method: clinical testing. Allele origin: germline.
Comment: This variant, c.936_941del, results in the deletion of 2 amino acid(s) of the MSH6 protein (p.Arg312_Lys313del), but otherwise preserves the integrity of the reading frame. This variant is not present in population databases (gnomAD no frequency). This variant has been observed in individual(s) with ovarian cancer (PMID: 23047549). ClinVar contains an entry for this variant (Variation ID: 479904). Experimental studies and prediction algorithms are not available or were not evaluated, and the functional significance of this variant is currently unknown. In summary, the available evidence is currently insufficient to determine the role of this variant in disease. Therefore, it has been classified as a Variant of Uncertain Significance.

Quest Diagnostics Nichols Institute San Juan Capistrano
Classification: Uncertain significance. Last evaluated: 2025-09-16. Review status: criteria provided, single submitter. Criteria: Quest Diagnostics criteria. Collection method: clinical testing. Allele origin: unknown.
Comment: The MSH6 c.936_941del (p.Arg312_Lys313del) variant has been reported in the published literature in an individual with ovarian cancer (PMID: 23047549 (2012)). This variant has not been reported in large, multi-ethnic general populations (Genome Aggregation Database). Based on the available information, we are unable to determine the clinical significance of this variant.

Women's Health and Genetics/Laboratory Corporation of America, LabCorp
Classification: Uncertain significance. Last evaluated: 2025-06-05. Review status: criteria provided, single submitter. Criteria: LabCorp Variant Classification Summary - May 2015. Collection method: clinical testing. Allele origin: germline.
Comment: Variant summary: MSH6 c.936_941delGAAAAG (p.Arg312_Lys313del) results in an in-frame deletion that is predicted to remove 2 amino acids from the encoded protein. The variant was absent in 251288 control chromosomes. The available data on variant occurrences in the general population are insufficient to allow any conclusion about variant significance. c.936_941delGAAAAG has been observed in an individual affected with Ovarian Cancer (e.g. Pal_2012). These report(s) do not provide unequivocal conclusions about association of the variant with Hereditary Nonpolyposis Colorectal Cancer. To our knowledge, no experimental evidence demonstrating an impact on protein function has been reported. The following publication has been ascertained in the context of this evaluation (PMID: 23047549). ClinVar contains an entry for this variant (Variation ID: 479904). Based on the evidence outlined above, the variant was classified as uncertain significance.

Baylor Genetics
Classification: Uncertain significance for Endometrial carcinoma. Last evaluated: 2024-03-11. Review status: criteria provided, single submitter. Criteria: ACMG Guidelines, 2015. Collection method: clinical testing. Allele origin: unknown.

Color Diagnostics, LLC DBA Color Health
Classification: Uncertain significance for Hereditary cancer-predisposing syndrome. Last evaluated: 2024-02-12. Review status: criteria provided, single submitter. Criteria: ACMG Guidelines, 2015. Collection method: clinical testing. Allele origin: germline.
Comment: This variant causes an in-frame deletion of two amino acids at exon 4 of the MSH6 protein. To our knowledge, functional studies have not been reported for this variant. This variant has been reported in an individual affected with ovarian cancer (PMID: 23047549). This variant has not been identified in the general population by the Genome Aggregation Database (gnomAD). The available evidence is insufficient to determine the role of this variant in disease conclusively. Therefore, this variant is classified as a Variant of Uncertain Significance.

Ambry Genetics
Classification: Uncertain significance for Hereditary cancer-predisposing syndrome. Last evaluated: 2023-11-10. Review status: criteria provided, single submitter. Criteria: Ambry Variant Classification Scheme 2023. Collection method: clinical testing. Allele origin: germline.
Comment: The c.936_941delGAAAAG variant (also known as p.R312_K313del) is located in coding exon 4 of the MSH6 gene. This variant results from an in-frame GAAAAG deletion at nucleotide positions 936 to 941. This results in the in-frame deletion of the arginine and lysine residues at codons 312 and 313. This alteration has been detected in an individual with ovarian cancer (Pal T et al. Br J Cancer. 2012 Nov 6;107(10). These amino acid positions are not well conserved in available vertebrate species. In addition, the in silico prediction for this alteration is inconclusive (Choi Y et al. PLoS ONE. 2012; 7(10):e46688). Since supporting evidence is limited at this time, the clinical significance of this alteration remains unclear.

GeneDx
Classification: Uncertain significance. Last evaluated: 2022-06-20. Review status: criteria provided, single submitter. Criteria: GeneDx Variant Classification Process June 2021. Collection method: clinical testing. Allele origin: germline. Affected: yes.
Comment: In-frame deletion of 2 amino acids in a non-repeat region; In silico analysis supports a deleterious effect on protein structure/function; Observed in an individual with ovarian cancer (Pal 2012); Not observed in large population cohorts (gnomAD); This variant is associated with the following publications: (PMID: 23047549)

Literature cited by the submitters: PubMed 23047549 (cited by 4 submitters).

NM_000179.3(MSH6):c.936_941del (p.Arg312_Lys313del)

Gene: MSH6 (mutS homolog 6; plus strand). Cytogenetic location: 2p16.3.
Variant type: Deletion.
Coding change: c.936_941del on transcript NM_000179.3 (MANE Select); coding-DNA positions 936 to 941, 6 bases deleted (GAAAAG; older notation c.936_941delGAAAAG).
Protein change: p.Arg312_Lys313del.
Molecular consequence: inframe deletion.
Genome position (GRCh38, 1-based): chr2:47,798,919-47,798,924, GAAAAG deleted; deleting any 6 consecutive bases within chr2:47,798,914-47,798,924 gives the same sequence; the c. name uses the placement nearest the transcript's 3' end. VCF-style (leftmost placement, unchanged base first): chr2-47798913-TAAAAGG-T. GRCh37 (hg19) VCF-style: chr2-48026052-TAAAAGG-T.
Other names: c.546_551del, p.Arg182_Lys183del (NM_001281492.2); c.30_35del, p.Arg10_Lys11del (NM_001281493.2, NM_001281494.2); c.936_941delGAAAAG (NM_000179.2, NM_000179.3).
Identifiers: ClinVar variation 479904 (VCV000479904.30), dbSNP rs1553412361, ClinGen allele CA658655724.